The following is an entry in ClinVar:

ClinVar aggregate classification (germline): Uncertain significance (0 of 4 stars; one submission).

Conditions:
Polycystic kidney disease. Also called: Polycystic kidney dysplasia; Kidney, Polycystic. Identifiers: MedGen C0022680, MeSH D007690, MONDO:0020642, HP:0000113.

Submission:

Department of Pathology and Laboratory Medicine, Sinai Health System
Classification: Uncertain significance for Polycystic Kidney disease. Review status: no assertion criteria provided. Collection method: clinical testing. Allele origin: unknown. Affected: yes. Study: The Canadian Open Genetics Repository (COGR).
Comment: The PKD1 p.Leu1974Arg variant was not identified in the literature nor was it identified in the dbSNP, ClinVar, LOVD 3.0, ADPKD Mutation Database, or PKD1-LOVD databases. The variant was not identified in the following control databases: the Exome Aggregation Consortium (August 8th 2016), or the Genome Aggregation Database (Feb 27, 2017). The p.Leu1974 residue is conserved in mammals but not in more distantly related organisms, and four out of five computational analyses (PolyPhen-2, SIFT, AlignGVGD, BLOSUM, MutationTaster) suggest that the p.Leu1974Arg variant may impact the protein; however, this information is not predictive enough to assume pathogenicity. The variant occurs outside of the splicing consensus sequence and 1 of 4 in silico or computational prediction software programs (SpliceSiteFinder, MaxEntScan, NNSPLICE, GeneSplicer) predict a greater than 10% difference in splicing; this is not very predictive of pathogenicity. In summary, based on the above information the clinical significance of this variant cannot be determined with certainty at this time. This variant is classified as a variant of uncertain significance.

NM_001009944.3(PKD1):c.5921T>G (p.Leu1974Arg)

Gene: PKD1 (polycystin 1, transient receptor potential channel interacting; minus strand). Cytogenetic location: 16p13.3.
Variant type: single nucleotide variant.
Coding change: c.5921T>G on transcript NM_001009944.3 (MANE Select); coding-DNA position 5921, T replaced by G.
Protein change: p.Leu1974Arg; replaces leucine 1974 with arginine.
Molecular consequence: missense variant.
Genome position (GRCh38, 1-based): chr16:2,109,246, A>C on the plus strand (T>G on the coding strand, the complement: PKD1 is on the minus strand). VCF-style: chr16-2109246-A-C. GRCh37 (hg19) VCF-style: chr16-2159247-A-C.
Other names: c.5921T>G, p.Leu1974Arg (NM_000296.4); short protein forms L1974R.
Identifiers: ClinVar variation 997118 (VCV000997118.1), dbSNP rs2092439627, ClinGen allele CA394375041.